The following is an entry in ClinVar:

ClinVar aggregate classification (germline): Uncertain significance (1 of 4 stars; one submission).

Submission:

Labcorp Genetics (formerly Invitae), Labcorp
Classification: Uncertain significance. Last evaluated: 2024-05-06. Review status: criteria provided, single submitter. Criteria: Invitae Variant Classification Sherloc (09022015). Collection method: clinical testing. Allele origin: germline.
Comment: This sequence change replaces proline, which is neutral and non-polar, with threonine, which is neutral and polar, at codon 1159 of the SCN3A protein (p.Pro1159Thr). This variant is not present in population databases (gnomAD no frequency). This variant has not been reported in the literature in individuals affected with SCN3A-related conditions. ClinVar contains an entry for this variant (Variation ID: 1937014). Advanced modeling of protein sequence and biophysical properties (such as structural, functional, and spatial information, amino acid conservation, physicochemical variation, residue mobility, and thermodynamic stability) performed at Invitae indicates that this missense variant is not expected to disrupt SCN3A protein function with a negative predictive value of 95%. In summary, the available evidence is currently insufficient to determine the role of this variant in disease. Therefore, it has been classified as a Variant of Uncertain Significance.

NM_006922.4(SCN3A):c.3475C>A (p.Pro1159Thr)

Gene: SCN3A (sodium voltage-gated channel alpha subunit 3; minus strand). Cytogenetic location: 2q24.3.
Variant type: single nucleotide variant.
Coding change: c.3475C>A on transcript NM_006922.4 (MANE Select); coding-DNA position 3475, C replaced by A.
Protein change: p.Pro1159Thr; replaces proline 1159 with threonine.
Molecular consequence: missense variant.
Genome position (GRCh38, 1-based): chr2:165,115,494, G>T on the plus strand (C>A on the coding strand, the complement: SCN3A is on the minus strand). VCF-style: chr2-165115494-G-T. GRCh37 (hg19) VCF-style: chr2-165972004-G-T.
Other names: c.3328C>A, p.Pro1110Thr (NM_001081676.2, NM_001081677.2); short protein forms P1110T, P1159T.
Identifiers: ClinVar variation 1937014 (VCV001937014.5), dbSNP rs2468166512, ClinGen allele CA349035699.